The following is an entry in ClinVar:

NM_000492.4(CFTR):c.3103C>T (p.Gln1035Ter)

Genes: CFTR (CF transmembrane conductance regulator; plus strand), CFTR-AS2 (CFTR antisense RNA 2; minus strand), LOC111674472 (DNase I hypersensitive sites in introns 16 and 17a of CFTR; plus strand). Cytogenetic location: 7q31.2.
Variant type: single nucleotide variant.
Coding change: c.3103C>T on transcript NM_000492.4 (MANE Select); coding-DNA position 3103, C replaced by T.
Protein change: p.Gln1035Ter; replaces glutamine 1035 with a stop codon.
Molecular consequence: nonsense.
Genome position (GRCh38, 1-based): chr7:117,610,633, C>T. VCF-style: chr7-117610633-C-T. GRCh37 (hg19) VCF-style: chr7-117250687-C-T.
Other names: p.Gln1035X; Q1035X; short protein forms Q1035*.
Identifiers: ClinVar variation 53650 (VCV000053650.17), dbSNP rs397508496, ClinGen allele CA327043.

ClinVar aggregate classification (germline): Pathogenic. Review status: reviewed by expert panel (3 of 4 stars). 7 submissions from 7 submitters: Pathogenic (1). 6 of the submissions do not count toward it. Last evaluated 2021-09-24.

Conditions:
CFTR-related disorder (CFTR-RD). Also called: CFTR-related disorders; CFTR-related condition. Identifiers: MedGen C5924204, MONDO:7770004.
Cystic fibrosis (CF). Also called: MUCOVISCIDOSIS. Identifiers: Orphanet 586, MedGen C0010674, MONDO:0009061, OMIM 219700. Disease mechanism: loss of function.
Bronchiectasis with or without elevated sweat chloride 1 (BESC1). Also called: Cystic Fibrosis-Like Syndrome. Identifiers: Orphanet 60033, MedGen C2749757, MONDO:0008887, OMIM 211400.

Allele frequency attached by ClinVar (database versions not stated): gnomAD exomes below 0.00001; TOPMed below 0.00001.

Submissions (7):

CFTR2
Classification: Pathogenic for Cystic fibrosis. Last evaluated: 2021-09-24. Review status: reviewed by expert panel. Criteria: Submitter's publication and website. Collection method: research. Allele origin: germline. Affected: yes.

Institute of Human Genetics, University of Leipzig Medical Center
Classification: Pathogenic for Cystic fibrosis. Last evaluated: 2025-12-23. Review status: criteria provided, single submitter. Criteria: ACMG Guidelines, 2015. Collection method: clinical testing. Allele origin: unknown. Inheritance: Autosomal recessive inheritance. Affected: yes. Not counted in ClinVar's aggregate classification.
Comment: Criteria applied: PVS1,PM3_STR,PM2_SUP

Natera, Inc.
Classification: Pathogenic for CFTR-related disorders. Last evaluated: 2025-06-20. Review status: criteria provided, single submitter. Criteria: Natera Variant Classification Schema (03/2026). Collection method: clinical testing. Allele origin: germline. Not counted in ClinVar's aggregate classification.
Comment: The c.3103C>T variant in CFTR is a nonsense variant predicted to introduce a stop codon at amino acid 1035. This variant is expected to result in nonsense mediated decay, truncation, or a dysfunctional protein product. This variant is rare in the general population with a frequency below the threshold expected for the associated phenotype(s). This variant has been observed in one or more individuals affected with the associated recessive disease, as either homozygous or compound heterozygous with a second variant (PMID: 27898234). Given the available evidence, this variant is classified as Pathogenic.

Ambry Genetics
Classification: Pathogenic for Cystic fibrosis. Last evaluated: 2022-04-07. Review status: criteria provided, single submitter. Criteria: Ambry Variant Classification Scheme 2023. Collection method: clinical testing. Allele origin: germline. Not counted in ClinVar's aggregate classification.
Comment: The p.Q1035* pathogenic mutation (also known as c.3103C>T), located in coding exon 19 of the CFTR gene, results from a C to T substitution at nucleotide position 3103. This changes the amino acid from a glutamine to a stop codon within coding exon 19. This alteration is expected to result in loss of function by premature protein truncation or nonsense-mediated mRNA decay. As such, this alteration is interpreted as a disease-causing mutation.

Baylor Genetics
Classification: Pathogenic for Bronchiectasis with or without elevated sweat chloride 1. Last evaluated: 2022-03-28. Review status: criteria provided, single submitter. Criteria: ACMG Guidelines, 2015. Collection method: clinical testing. Allele origin: unknown. Not counted in ClinVar's aggregate classification.

Labcorp Genetics (formerly Invitae), Labcorp
Classification: Pathogenic for Cystic fibrosis. Last evaluated: 2021-08-18. Review status: criteria provided, single submitter. Criteria: Invitae Variant Classification Sherloc (09022015). Collection method: clinical testing. Allele origin: germline. Not counted in ClinVar's aggregate classification.
Comment: For these reasons, this variant has been classified as Pathogenic. ClinVar contains an entry for this variant (Variation ID: 53650). This variant has not been reported in the literature in individuals affected with CFTR-related conditions. This variant is not present in population databases (ExAC no frequency). This sequence change creates a premature translational stop signal (p.Gln1035*) in the CFTR gene. It is expected to result in an absent or disrupted protein product. Loss-of-function variants in CFTR are known to be pathogenic (PMID: 1695717, 7691345, 9725922).

Counsyl
Classification: Likely pathogenic for Cystic fibrosis. Last evaluated: 2016-07-12. Review status: no assertion criteria provided. Collection method: clinical testing. Allele origin: unknown. Not counted in ClinVar's aggregate classification.

Literature cited by the submitters: PubMed 27898234 (cited by Natera, Inc.); PubMed 1695717 (cited by Labcorp Genetics (formerly Invitae), Labcorp); PubMed 7691345 (cited by Labcorp Genetics (formerly Invitae), Labcorp); PubMed 9725922 (cited by Labcorp Genetics (formerly Invitae), Labcorp).